The following is an entry in ClinVar:

NM_000443.4(ABCB4):c.137T>G (p.Phe46Cys)

Gene: ABCB4 (ATP binding cassette subfamily B member 4; minus strand). Cytogenetic location: 7q21.12.
Variant type: single nucleotide variant.
Coding change: c.137T>G on transcript NM_000443.4 (MANE Select); coding-DNA position 137, T replaced by G.
Protein change: p.Phe46Cys; replaces phenylalanine 46 with cysteine.
Molecular consequence: missense variant.
Genome position (GRCh38, 1-based): chr7:87,462,907, A>C on the plus strand (T>G on the coding strand, the complement: ABCB4 is on the minus strand). VCF-style: chr7-87462907-A-C. GRCh37 (hg19) VCF-style: chr7-87092223-A-C.
Other names: c.137T>G, p.Phe46Cys (NM_018849.3, NM_018850.3); short protein forms F46C.
Identifiers: ClinVar variation 4846447 (VCV004846447.1).
Genomic context (GRCh38, chr7:87,462,907, plus strand): 5'-GCTATGGCCATGATGGTACCCAGCGACATAAACAATTTATCCTGCCAATCGGAGTATCGA[A>C]ACTAAAAAAAGGAAATAAAATAATACTTAGCTGTGGAATGGAATTTCTCCTCTTCCATAA-3'
Protein context (NP_000434.1, residues 36-56): TVKMIGVLTL[Phe46Cys]RYSDWQDKLF

ClinVar aggregate classification (germline): Uncertain significance (1 of 4 stars; one submission).

Conditions:
Familial intrahepatic cholestasis. Identifiers: Orphanet 284385, MedGen CN296401, MONDO:0017290.

Submission:

Genomenon, Inc
Classification: Uncertain significance for Familial intrahepatic cholestasis. Last evaluated: 2026-04-14. Review status: criteria provided, single submitter. Criteria: Genomenon Sequence Variant Interpretation Standards - Updated. Collection method: curation. Allele origin: germline. Affected: yes.
Comment: ABCB4 p.Phe46Cys (c.137T>G) is a missense variant that changes the amino acid at residue 46 from Phenylalanine to Cysteine. This variant has been observed in at least one proband with an ABCB4-related disorder (PMID:41165782). It is absent or not present at a significant frequency in gnomAD. In silico models predict that this variant is possibly or probably damaging. In conclusion, we classify ABCB4 p.Phe46Cys (c.137T>G) as a variant of uncertain significance.

Literature cited by the submitters: PubMed 41165782.